The following is an entry in ClinVar:

NM_032043.3(BRIP1):c.1998T>C (p.Asn666=)

Gene: BRIP1 (BRCA1 interacting DNA helicase 1; minus strand). Cytogenetic location: 17q23.2.
Variant type: single nucleotide variant.
Coding change: c.1998T>C on transcript NM_032043.3 (MANE Select); coding-DNA position 1998, T replaced by C.
Protein change: p.Asn666=; no amino-acid change (asparagine 666 retained).
Molecular consequence: synonymous variant.
Genome position (GRCh38, 1-based): chr17:61,776,500, A>G on the plus strand (T>C on the coding strand, the complement: BRIP1 is on the minus strand). VCF-style: chr17-61776500-A-G. GRCh37 (hg19) VCF-style: chr17-59853861-A-G.
Identifiers: ClinVar variation 231346 (VCV000231346.18), dbSNP rs876659106, ClinGen allele CA10580818.

ClinVar aggregate classification (germline): Benign/Likely benign. Review status: criteria provided, multiple submitters, no conflicts (2 of 4 stars). 3 submissions from 3 submitters: Benign (1); Likely benign (2). Last evaluated 2024-09-03.

Conditions:
Hereditary cancer-predisposing syndrome. Also called: Hereditary Cancer Syndrome; Neoplastic Syndromes, Hereditary; Tumor predisposition; Hereditary neoplastic syndrome. Identifiers: Orphanet 140162, MedGen C0027672, MeSH D009386, MONDO:0015356.
Fanconi anemia complementation group J. Also called: BRIP1-Related Fanconi Anemia. Identifiers: Orphanet 84, MedGen C1836860, MONDO:0012187, OMIM 609054.
Familial cancer of breast. Also called: Hereditary breast cancer; hereditary breast carcinoma; BREAST CANCER, FAMILIAL. Identifiers: Orphanet 227535, MedGen C0346153, MONDO:0016419, OMIM 114480. Disease mechanism: loss of function.

Submissions (3):

Myriad Genetics, Inc.
Classification: Benign for Familial cancer of breast. Last evaluated: 2024-09-03. Review status: criteria provided, single submitter. Criteria: Myriad Autosomal Dominant, Autosomal Recessive and X-Linked Classification Criteria (2023). Collection method: clinical testing. Allele origin: unknown.
Comment: This variant is considered benign. This variant is a silent/synonymous amino acid change and it is not expected to impact splicing.

Labcorp Genetics (formerly Invitae), Labcorp
Classification: Likely benign for Familial cancer of breast; Fanconi anemia complementation group J. Last evaluated: 2024-01-24. Review status: criteria provided, single submitter. Criteria: Invitae Variant Classification Sherloc (09022015). Collection method: clinical testing. Allele origin: germline.

Ambry Genetics
Classification: Likely benign for Hereditary cancer-predisposing syndrome. Last evaluated: 2015-04-09. Review status: criteria provided, single submitter. Criteria: Ambry Variant Classification Scheme 2023. Collection method: clinical testing. Allele origin: germline.